The following is an entry in ClinVar:

ClinVar aggregate classification (germline): Pathogenic (1 of 4 stars; one submission).

Submission:

Labcorp Genetics (formerly Invitae), Labcorp
Classification: Pathogenic. Last evaluated: 2024-01-17. Review status: criteria provided, single submitter. Criteria: Invitae Variant Classification Sherloc (09022015). Collection method: clinical testing. Allele origin: unknown.
Comment: This variant is a gross deletion of the genomic region encompassing exon(s) 4 of the NDUFS4 gene. While this deletion is not anticipated to lead to nonsense mediated decay, it is expected to disrupt the C-terminus of the protein. This variant has not been reported in the literature in individuals affected with NDUFS4-related conditions. This variant disrupts a region of the NDUFS4 protein in which other variant(s) (p.Glu132Argfs*15) have been determined to be pathogenic (PMID: 27671926). This suggests that this is a clinically significant region of the protein, and that variants that disrupt it are likely to be disease-causing. For these reasons, this variant has been classified as Pathogenic.

Literature cited by the submitters: PubMed 27671926.

NC_000005.9:g.(?_52954361)_(52954474_?)del

Gene: NDUFS4 (NADH:ubiquinone oxidoreductase subunit S4; plus strand). Cytogenetic location: 5q11.2.
Variant type: Deletion.
Identifiers: ClinVar variation 3246502 (VCV003246502.1).